The following is an entry in ClinVar:

ClinVar aggregate classification (germline): Uncertain significance. Review status: criteria provided, single submitter (1 of 4 stars). 2 submissions from 2 submitters: Uncertain significance (1). 1 of the submissions does not count toward it. Last evaluated 2018-06-06.

Conditions:
Becker muscular dystrophy (BMD). Also called: Becker Muscular Dystrophy (BMD); MUSCULAR DYSTROPHY, PSEUDOHYPERTROPHIC PROGRESSIVE, BECKER TYPE. Identifiers: Orphanet 98895, MedGen C0917713, MONDO:0010311, OMIM 300376.
Duchenne muscular dystrophy (DMD). Also called: Duchenne Muscular Dystrophy (DMD); MUSCULAR DYSTROPHY, PSEUDOHYPERTROPHIC PROGRESSIVE, DUCHENNE TYPE. Identifiers: Orphanet 98896, MedGen C0013264, MONDO:0010679, OMIM 310200.

Submissions (2):

Labcorp Genetics (formerly Invitae), Labcorp
Classification: Uncertain significance for Duchenne muscular dystrophy. Last evaluated: 2018-06-06. Review status: criteria provided, single submitter. Criteria: Invitae Variant Classification Sherloc (09022015). Collection method: clinical testing. Allele origin: germline.
Comment: In summary, the available evidence is currently insufficient to determine the role of this variant in disease. Therefore, it has been classified as a Variant of Uncertain Significance. Experimental studies have shown that this missense change increases protein aggregation and thermal denaturation but does not significantly affect actin-binding affinity (PMID: 20457930). This variant has been reported in individuals affected with Becker muscular dystrophy (PMID: 12632325, Invitae). This variant is not present in population databases (ExAC no frequency). This sequence change replaces aspartic acid with valine at codon 165 of the DMD protein (p.Asp165Val). The aspartic acid residue is highly conserved and there is a large physicochemical difference between aspartic acid and valine.

Institute of Human Genetics, University of Wuerzburg
Classification: Pathogenic for Becker muscular dystrophy. Review status: no assertion criteria provided. Collection method: clinical testing. Allele origin: unknown. Affected: yes. Observed: 1 variant allele. Not counted in ClinVar's aggregate classification.

Literature cited by the submitters: PubMed 20457930 (cited by Labcorp Genetics (formerly Invitae), Labcorp); PubMed 12632325 (cited by Labcorp Genetics (formerly Invitae), Labcorp).

NM_004006.3(DMD):c.494A>T (p.Asp165Val)

Gene: DMD (dystrophin; minus strand). Cytogenetic location: Xp21.1.
Variant type: single nucleotide variant.
Coding change: c.494A>T on transcript NM_004006.3 (MANE Select); coding-DNA position 494, A replaced by T.
Protein change: p.Asp165Val; replaces aspartic acid 165 with valine.
Molecular consequence: missense variant.
Genome position (GRCh38, 1-based): chrX:32,816,504, T>A on the plus strand (A>T on the coding strand, the complement: DMD is on the minus strand). VCF-style: chrX-32816504-T-A. GRCh37 (hg19) VCF-style: chrX-32834621-T-A.
Other names: c.470A>T, p.Asp157Val (NM_000109.4); c.482A>T, p.Asp161Val (NM_004009.3); c.125A>T, p.Asp42Val (NM_004010.3); short protein forms D165V, D42V, D157V, D161V.
Identifiers: ClinVar variation 526096 (VCV000526096.10), dbSNP rs1557052542, ClinGen allele CA412674098.
Genomic context (GRCh38, chrX:32,816,504, plus strand): 5'-TTAATGTCTCAGTAATCTTCTTACCTATGACTATGGATGAGAGCATTCAAAGCCAGGCCA[T>A]CAGACCAGCTGGTGGTGAAGTTGATTACATTAACCTGTGGATAATTACGAGTTGATTGTC-3'
Protein context (NP_003997.2, residues 155-175): NVINFTTSWS[Asp165Val]GLALNALIHS